The following is an entry in ClinVar:

NM_001134407.3(GRIN2A):c.1497+1G>A

Gene: GRIN2A (glutamate ionotropic receptor NMDA type subunit 2A; minus strand). Cytogenetic location: 16p13.2.
Variant type: single nucleotide variant.
Coding change: c.1497+1G>A on transcript NM_001134407.3 (MANE Select); the canonical splice donor site of the intron after coding-DNA position 1497, G replaced by A.
Molecular consequence: splice donor variant.
Genome position (GRCh38, 1-based): chr16:9,840,935, C>T on the plus strand (G>A on the coding strand, the complement: GRIN2A is on the minus strand). VCF-style: chr16-9840935-C-T. GRCh37 (hg19) VCF-style: chr16-9934792-C-T.
Other names: c.1497+1G>A (NM_001134408.2, NM_000833.5).
Identifiers: ClinVar variation 4723516 (VCV004723516.1).

ClinVar aggregate classification (germline): Pathogenic (1 of 4 stars; one submission).

Conditions:
Landau-Kleffner syndrome (FESD). Also called: EPILEPSY, FOCAL, WITH SPEECH DISORDER AND WITH OR WITHOUT MENTAL RETARDATION; APHASIA, ACQUIRED, WITH EPILEPSY. Identifiers: Orphanet 1945, Orphanet 725, Orphanet 98818, MedGen C0282512, MONDO:0009509, OMIM 245570.

Submission:

Labcorp Genetics (formerly Invitae), Labcorp
Classification: Pathogenic for Landau-Kleffner syndrome. Last evaluated: 2025-07-20. Review status: criteria provided, single submitter. Criteria: Invitae Variant Classification Sherloc (09022015). Collection method: clinical testing. Allele origin: germline.
Comment: This sequence change affects a donor splice site in intron 7 of the GRIN2A gene. It is expected to disrupt RNA splicing. Variants that disrupt the donor or acceptor splice site typically lead to a loss of protein function (PMID: 16199547), and loss-of-function variants in GRIN2A are known to be pathogenic (PMID: 23933819, 23933820). This variant is not present in population databases (gnomAD no frequency). Disruption of this splice site has been observed in individuals with clinical features of GRIN2A-related conditions (PMID: 30544257; internal data). Algorithms developed to predict the effect of sequence changes on RNA splicing suggest that this variant may disrupt the consensus splice site. For these reasons, this variant has been classified as Pathogenic.

Literature cited by the submitters: PubMed 16199547; PubMed 23933819; PubMed 23933820; PubMed 30544257.